The following is an entry in ClinVar:

NM_001009944.3(PKD1):c.6370G>A (p.Val2124Met)

Gene: PKD1 (polycystin 1, transient receptor potential channel interacting; minus strand). Cytogenetic location: 16p13.3.
Variant type: single nucleotide variant.
Coding change: c.6370G>A on transcript NM_001009944.3 (MANE Select); coding-DNA position 6370, G replaced by A.
Protein change: p.Val2124Met; replaces valine 2124 with methionine.
Molecular consequence: missense variant.
Genome position (GRCh38, 1-based): chr16:2,108,797, C>T on the plus strand (G>A on the coding strand, the complement: PKD1 is on the minus strand). VCF-style: chr16-2108797-C-T. GRCh37 (hg19) VCF-style: chr16-2158798-C-T.
Other names: c.6370G>A, p.Val2124Met (NM_000296.4); short protein forms V2124M.
Identifiers: ClinVar variation 4993802 (VCV004993802.1).
Genomic context (GRCh38, chr16:2,108,797, plus strand): 5'-GCACCTGGACGGTCACCGTGGCCTGCGCCACGAAGAAGCTCACCAGGTTGGAGGCGTTCA[C>T]CTGCACGCGGTAGTCCCCAGGCCTCAGGTAGGAGTGCTCGGCCCTGGGCTCATCTGTGTC-3'
Protein context (NP_001009944.3, residues 2114-2134): YLRPGDYRVQ[Val2124Met]NASNLVSFFV

ClinVar aggregate classification (germline): Uncertain significance (1 of 4 stars; one submission).

Conditions:
PKD1-related disorder. Also called: PKD1-related condition.

Submission:

PreventionGenetics, part of Exact Sciences
Classification: Uncertain significance for PKD1-related condition. Last evaluated: 2026-02-04. Review status: criteria provided, single submitter. Criteria: ACMG Guidelines, 2015. Collection method: clinical testing. Allele origin: germline.
Comment: The PKD1 c.6370G>A variant is predicted to result in the amino acid substitution p.Val2124Met. To our knowledge, this variant has not been reported in the literature. This variant is reported in 0.0% of alleles in individuals of African descent in gnomAD. At this time, the clinical significance of this variant is uncertain due to the absence of conclusive functional and genetic evidence.